The following is an entry in ClinVar:

NM_198241.3(EIF4G1):c.2056G>T (p.Gly686Cys)

Gene: EIF4G1 (eukaryotic translation initiation factor 4 gamma 1; plus strand). Cytogenetic location: 3q27.1.
Variant type: single nucleotide variant.
Coding change: c.2056G>T on transcript NM_198241.3 (MANE Select); coding-DNA position 2056, G replaced by T.
Protein change: p.Gly686Cys; replaces glycine 686 with cysteine.
Molecular consequence: missense variant.
Genome position (GRCh38, 1-based): chr3:184,323,209, G>T. VCF-style: chr3-184323209-G-T. GRCh37 (hg19) VCF-style: chr3-184040997-G-T.
Other names: NC_000003.11:g.184040997G>T; p.Gly686Cys; c.2077G>T, p.Gly693Cys (NM_001194946.2, NM_001194947.2); c.1936G>T, p.Gly646Cys (NM_001291157.2); c.1468G>T, p.Gly490Cys (NM_004953.5); c.2056G>T, p.Gly686Cys (NM_182917.4); c.1564G>T, p.Gly522Cys (NM_198242.3); c.1795G>T, p.Gly599Cys (NM_198244.3); short protein forms G646C, G693C, G490C, G522C, G599C, G686C.
Identifiers: ClinVar variation 4524659 (VCV004524659.2).

ClinVar aggregate classification (germline): Uncertain significance (1 of 4 stars; one submission).

gnomAD v4.1: 357 of 1,614,230 alleles (0.022%); highest among the groups gnomAD compares: Admixed American, 0.035%; no homozygotes.

Submissions (2):

Mayo Clinic Laboratories, Mayo Clinic
Classification: Uncertain significance. Last evaluated: 2025-08-15. Review status: criteria provided, single submitter. Criteria: ACMG Guidelines, 2015. Collection method: clinical testing. Allele origin: germline. Observed: 1 variant allele.
Comment: BS2

Dr. Peter K. Rogan Lab, Western University
No classification provided (evidence only). Condition: Sarcoma. Review status: no classification provided. Collection method: in vitro. Allele origin: not applicable. Functional consequence: retained intron. Not counted in ClinVar's aggregate classification.

Literature cited by the submitters: PubMed 21907011 (cited by Mayo Clinic Laboratories, Mayo Clinic); PubMed 22658323 (cited by Mayo Clinic Laboratories, Mayo Clinic); PubMed 22707335 (cited by Mayo Clinic Laboratories, Mayo Clinic); PubMed 23092605 (cited by Mayo Clinic Laboratories, Mayo Clinic); PubMed 23124435 (cited by Mayo Clinic Laboratories, Mayo Clinic); PubMed 24082139 (cited by Mayo Clinic Laboratories, Mayo Clinic); PubMed 26022768 (cited by Mayo Clinic Laboratories, Mayo Clinic); PubMed 38590578 (cited by Mayo Clinic Laboratories, Mayo Clinic); PubMed 39864405 (cited by Mayo Clinic Laboratories, Mayo Clinic).